The following is an entry in ClinVar:

NM_000051.4(ATM):c.2648A>T (p.Asn883Ile)

Gene: ATM (ATM serine/threonine kinase; plus strand). Cytogenetic location: 11q22.3.
Variant type: single nucleotide variant.
Coding change: c.2648A>T on transcript NM_000051.4 (MANE Select); coding-DNA position 2648, A replaced by T.
Protein change: p.Asn883Ile; replaces asparagine 883 with isoleucine.
Molecular consequence: missense variant.
Genome position (GRCh38, 1-based): chr11:108,268,419, A>T. VCF-style: chr11-108268419-A-T. GRCh37 (hg19) VCF-style: chr11-108139146-A-T.
Other names: c.2648A>T, p.Asn883Ile (NM_001351834.2); short protein forms N883I.
Identifiers: ClinVar variation 3651340 (VCV003651340.2).

ClinVar aggregate classification (germline): Uncertain significance (1 of 4 stars; one submission).

Conditions:
Ataxia-telangiectasia syndrome (AT). Also called: ATAXIA-TELANGIECTASIA, COMPLEMENTATION GROUP A; ATAXIA-TELANGIECTASIA, FRESNO VARIANT; LOUIS-BAR SYNDROME; Ataxia-telangiectasia, complementation group D; Ataxia-telangiectasia, complementation group E; Cerebello-oculocutaneous telangiectasia. Identifiers: Orphanet 100, MedGen C0004135, MONDO:0008840, OMIM 208900.

gnomAD v4.1: 2 of 1,613,644 alleles (0.00012%); highest among the groups gnomAD compares: South Asian, 0.0022%; no homozygotes.

Submission:

Labcorp Genetics (formerly Invitae), Labcorp
Classification: Uncertain significance for Ataxia-telangiectasia syndrome. Last evaluated: 2024-07-01. Review status: criteria provided, single submitter. Criteria: Invitae Variant Classification Sherloc (09022015). Collection method: clinical testing. Allele origin: germline.
Comment: This sequence change replaces asparagine, which is neutral and polar, with isoleucine, which is neutral and non-polar, at codon 883 of the ATM protein (p.Asn883Ile). This variant is not present in population databases (gnomAD no frequency). This variant has not been reported in the literature in individuals affected with ATM-related conditions. An algorithm developed to predict the effect of missense changes on protein structure and function (PolyPhen-2) suggests that this variant is likely to be tolerated. In summary, the available evidence is currently insufficient to determine the role of this variant in disease. Therefore, it has been classified as a Variant of Uncertain Significance.